The following is an entry in ClinVar:

ClinVar aggregate classification (germline): Pathogenic (1 of 4 stars; one submission).

Conditions:
Multiple congenital anomalies-hypotonia-seizures syndrome 3 (MCAHS3). Also called: GLYCOSYLPHOSPHATIDYLINOSITOL BIOSYNTHESIS DEFECT 7. Identifiers: Orphanet 369837, MedGen C3809356, MONDO:0014165, OMIM 615398.

Allele frequency attached by ClinVar (database versions not stated): gnomAD exomes below 0.00001 and 0.00001; TOPMed below 0.00001; gnomAD 0.00001; ExAC 0.00003.

Submission:

Labcorp Genetics (formerly Invitae), Labcorp
Classification: Pathogenic for Multiple congenital anomalies-hypotonia-seizures syndrome 3. Last evaluated: 2025-08-21. Review status: criteria provided, single submitter. Criteria: Invitae Variant Classification Sherloc (09022015). Collection method: clinical testing. Allele origin: germline.
Comment: This sequence change creates a premature translational stop signal (p.Trp20Glyfs*25) in the PIGT gene. It is expected to result in an absent or disrupted protein product. Loss-of-function variants in PIGT are known to be pathogenic (PMID: 24906948, 25943031). The frequency data for this variant in the population databases is considered unreliable, as metrics indicate poor data quality at this position in the gnomAD database. This variant has not been reported in the literature in individuals affected with PIGT-related conditions. ClinVar contains an entry for this variant (Variation ID: 576071). For these reasons, this variant has been classified as Pathogenic.

Literature cited by the submitters: PubMed 24906948; PubMed 25943031.

NM_015937.6(PIGT):c.57del (p.Trp20fs)

Gene: PIGT (phosphatidylinositol glycan anchor biosynthesis class T; plus strand). Cytogenetic location: 20q13.12.
Variant type: Deletion.
Coding change: c.57del on transcript NM_015937.6 (MANE Select); coding-DNA position 57, one base deleted (C; older notation c.57delC).
Protein change: p.Trp20fs; shifts the reading frame from tryptophan 20.
Molecular consequence: frameshift variant. On other transcripts: non-coding transcript variant (5).
Genome position (GRCh38, 1-based): chr20:45,416,213, C deleted. VCF-style (leftmost placement, unchanged base first): chr20-45416212-GC-G. GRCh37 (hg19) VCF-style: chr20-44044852-GC-G.
Other names: c.57del (NM_015937.5); c.57del, p.Trp20fs (NM_001184728.3, NM_001184729.3, NM_001184730.3); short protein forms W20fs.
Identifiers: ClinVar variation 576071 (VCV000576071.9), dbSNP rs763009552, ClinGen allele CA9877770.